The following is an entry in ClinVar:

NM_021930.6(RINT1):c.1679T>A (p.Leu560Gln)

Gene: RINT1 (RAD50 interactor 1; plus strand). Cytogenetic location: 7q22.3.
Variant type: single nucleotide variant.
Coding change: c.1679T>A on transcript NM_021930.6 (MANE Select); coding-DNA position 1679, T replaced by A.
Protein change: p.Leu560Gln; replaces leucine 560 with glutamine.
Molecular consequence: missense variant. On other transcripts: non-coding transcript variant (1).
Genome position (GRCh38, 1-based): chr7:105,563,740, T>A. VCF-style: chr7-105563740-T-A. GRCh37 (hg19) VCF-style: chr7-105204187-T-A.
Other names: c.1445T>A, p.Leu482Gln (NM_001346599.2); c.656T>A, p.Leu219Gln (NM_001346600.2, NM_001346603.2); c.755T>A, p.Leu252Gln (NM_001346601.2); short protein forms L252Q, L482Q, L219Q, L560Q.
Identifiers: ClinVar variation 3433663 (VCV003433663.1).

ClinVar aggregate classification (germline): Uncertain significance (1 of 4 stars; one submission).

Submission:

Ambry Genetics
Classification: Uncertain significance. Last evaluated: 2024-12-01. Review status: criteria provided, single submitter. Criteria: Ambry Variant Classification Scheme 2023. Collection method: clinical testing. Allele origin: germline.
Comment: The p.L560Q variant (also known as c.1679T>A), located in coding exon 12 of the RINT1 gene, results from a T to A substitution at nucleotide position 1679. The leucine at codon 560 is replaced by glutamine, an amino acid with dissimilar properties. This amino acid position is conserved. In addition, this alteration is predicted to be deleterious by in silico analysis. Based on the available evidence, the clinical significance of this variant remains unclear.